The following is an entry in ClinVar:

ClinVar aggregate classification (germline): Likely pathogenic (1 of 4 stars; one submission).

Conditions:
HIVEP2-related disorder. Also called: HIVEP2-related condition.

Submission:

PreventionGenetics, part of Exact Sciences
Classification: Likely pathogenic for HIVEP2-related condition. Last evaluated: 2022-10-07. Review status: criteria provided, single submitter. Criteria: ACMG Guidelines, 2015. Collection method: clinical testing. Allele origin: germline.
Comment: The HIVEP2 c.5378_5379delGA variant is predicted to result in a frameshift and premature protein termination (p.Gly1793Alafs*9). To our knowledge, this variant has not been reported in the literature or in a large population database, indicating this variant is rare. Frameshift variants in HIVEP2 are expected to be pathogenic. This variant is interpreted as likely pathogenic.

NM_006734.4(HIVEP2):c.5378_5379del (p.Gly1793fs)

Gene: HIVEP2 (HIVEP zinc finger 2; minus strand). Cytogenetic location: 6q24.2.
Variant type: Deletion.
Coding change: c.5378_5379del on transcript NM_006734.4 (MANE Select); coding-DNA positions 5378 to 5379, 2 bases deleted (GA; older notation c.5378_5379delGA).
Protein change: p.Gly1793fs; shifts the reading frame from glycine 1793.
Molecular consequence: frameshift variant.
Genome position (GRCh38, 1-based): chr6:142,764,938-142,764,939, TC deleted on the plus strand (GA on the coding strand, the reverse complement: HIVEP2 is on the minus strand). VCF-style (leftmost placement, unchanged base first): chr6-142764937-GTC-G. GRCh37 (hg19) VCF-style: chr6-143086074-GTC-G.
Other names: short protein forms G1793fs.
Identifiers: ClinVar variation 2637116 (VCV002637116.1), dbSNP rs2482796579, ClinGen allele CA2695198364.